The following is an entry in ClinVar:

NM_080680.3(COL11A2):c.2682+2T>G

Gene: COL11A2 (collagen type XI alpha 2 chain; minus strand). Cytogenetic location: 6p21.32.
Variant type: single nucleotide variant.
Coding change: c.2682+2T>G on transcript NM_080680.3 (MANE Select); the canonical splice donor site of the intron after coding-DNA position 2682, T replaced by G.
Molecular consequence: splice donor variant.
Genome position (GRCh38, 1-based): chr6:33,173,500, A>C on the plus strand (T>G on the coding strand, the complement: COL11A2 is on the minus strand). VCF-style: chr6-33173500-A-C. GRCh37 (hg19) VCF-style: chr6-33141277-A-C.
Other names: c.1656+2T>G (NM_001424111.1, NM_001424110.1); c.2361+2T>G (NM_080679.3); c.2424+2T>G (NM_080681.3); c.2502+2T>G (NM_001424108.1); c.1836+2T>G (NM_001424109.1); c.636+2T>G (NM_001424112.1).
Identifiers: ClinVar variation 2834133 (VCV002834133.3), dbSNP rs1583320505, ClinGen allele CA363641400.

ClinVar aggregate classification (germline): Likely pathogenic (1 of 4 stars; one submission).

Submission:

Labcorp Genetics (formerly Invitae), Labcorp
Classification: Likely pathogenic. Last evaluated: 2023-02-03. Review status: criteria provided, single submitter. Criteria: Invitae Variant Classification Sherloc (09022015). Collection method: clinical testing. Allele origin: germline.
Comment: This sequence change affects a donor splice site in intron 36 of the COL11A2 gene. It is expected to disrupt RNA splicing. Variants that disrupt the donor or acceptor splice site typically lead to a loss of protein function (PMID: 16199547), and loss-of-function variants in COL11A2 are known to be pathogenic (PMID: 10677296, 21204229). This variant is not present in population databases (gnomAD no frequency). This variant has not been reported in the literature in individuals affected with COL11A2-related conditions. Algorithms developed to predict the effect of sequence changes on RNA splicing suggest that this variant may disrupt the consensus splice site. In summary, the currently available evidence indicates that the variant is pathogenic, but additional data are needed to prove that conclusively. Therefore, this variant has been classified as Likely Pathogenic.

Literature cited by the submitters: PubMed 16199547; PubMed 10677296; PubMed 21204229.